The following is an entry in ClinVar:

ClinVar aggregate classification (germline): Pathogenic (1 of 4 stars; one submission).

Conditions:
Microcephaly-intellectual disability-sensorineural hearing loss-epilepsy-abnormal muscle tone syndrome (NEDHSB). Also called: NEURODEVELOPMENTAL DISORDER WITH HEARING LOSS, SEIZURES, AND BRAIN ABNORMALITIES. Identifiers: Orphanet 457351, MedGen C4225276, MONDO:0014698, OMIM 616577.

Allele frequency attached by ClinVar (database versions not stated): gnomAD exomes below 0.00001; ExAC 0.00001.
gnomAD v4.1: 1 of 1,614,152 alleles (0.000062%); highest among the groups gnomAD compares: South Asian, 0.0011%; no homozygotes.

Submission:

Labcorp Genetics (formerly Invitae), Labcorp
Classification: Pathogenic for Microcephaly-intellectual disability-sensorineural hearing loss-epilepsy-abnormal muscle tone syndrome. Last evaluated: 2022-06-05. Review status: criteria provided, single submitter. Criteria: Invitae Variant Classification Sherloc (09022015). Collection method: clinical testing. Allele origin: germline.
Comment: For these reasons, this variant has been classified as Pathogenic. ClinVar contains an entry for this variant (Variation ID: 1452126). This variant has not been reported in the literature in individuals affected with SPATA5-related conditions. This variant is present in population databases (rs751345585, gnomAD 0.003%). This sequence change creates a premature translational stop signal (p.Ser37*) in the SPATA5 gene. It is expected to result in an absent or disrupted protein product. Loss-of-function variants in SPATA5 are known to be pathogenic (PMID: 26299366).

Literature cited by the submitters: PubMed 26299366.

NM_145207.3(AFG2A):c.110C>G (p.Ser37Ter)

Gene: AFG2A (AAA ATPase AFG2A; plus strand). Cytogenetic location: 4q28.1.
Variant type: single nucleotide variant.
Coding change: c.110C>G on transcript NM_145207.3 (MANE Select); coding-DNA position 110, C replaced by G.
Protein change: p.Ser37Ter; replaces serine 37 with a stop codon.
Molecular consequence: nonsense.
Genome position (GRCh38, 1-based): chr4:122,923,252, C>G. VCF-style: chr4-122923252-C-G. GRCh37 (hg19) VCF-style: chr4-123844407-C-G.
Other names: c.110C>G, p.Ser37Ter (NM_001317799.2, NM_001345856.2); short protein forms S37*.
Identifiers: ClinVar variation 1452126 (VCV001452126.5), dbSNP rs751345585, ClinGen allele CA3070129.
Genomic context (GRCh38, chr4:122,923,252, plus strand): 5'-GTTCGTCCTTGCCCTCTGCTGCTTCCTCTTGTGCGGAGGCACGGGCTCCTTCTGCTGGAT[C>G]AGACTTCGCGGCAACCTCCGGGACTCTGACGGTGACCAACTTATTAGAAAAGGGTAAAGA-3'